The following is an entry in ClinVar:

NM_018344.6(SLC29A3):c.774-66C>A

Gene: SLC29A3 (solute carrier family 29 member 3; plus strand). Cytogenetic location: 10q22.1.
Variant type: single nucleotide variant.
Coding change: c.774-66C>A on transcript NM_018344.6 (MANE Select); 66 bases into the intron before coding-DNA position 774, C replaced by A.
Molecular consequence: intron variant.
Genome position (GRCh38, 1-based): chr10:71,361,888, C>A. VCF-style: chr10-71361888-C-A. GRCh37 (hg19) VCF-style: chr10-73121645-C-A.
Other names: c.540-66C>A (NM_001363518.2); c.*3-66C>A (NM_001174098.2).
Identifiers: ClinVar variation 1262554 (VCV001262554.5), dbSNP rs2487067, ClinGen allele CA13159180.
Genomic context (GRCh38, chr10:71,361,888, plus strand): 5'-GTGGGCATACGGGGCTTGGGCTCTCCATGCTGGGCTGGAAGGTTCTGTTCTGAGTGCCCA[C>A]CCCTGGCTGTGCTGACTCAGATCCCAAGCAACCTGCTTGATGGTGGCCCTGTCTCCTCCC-3'

ClinVar aggregate classification (germline): Benign. Review status: criteria provided, multiple submitters, no conflicts (2 of 4 stars). 3 submissions from 3 submitters: Benign (3). Last evaluated 2023-11-12.

Allele frequency attached by ClinVar (database versions not stated): 1000 Genomes Project 0.50519; 1000 Genomes Project 30x 0.51031; TOPMed 0.58969; gnomAD exomes 0.59287; gnomAD 0.59736 and 0.60710.

Submissions (3):

Unidad de Genómica Garrahan, Hospital de Pediatría Garrahan
Classification: Benign. Last evaluated: 2023-11-12. Review status: criteria provided, single submitter. Criteria: ACMG Guidelines, 2015. Collection method: clinical testing. Allele origin: germline. Affected: no. Observed: 78 variant alleles.
Comment: This variant is classified as Benign based on local population frequency. This variant was detected in 81% of patients studied by a panel of primary immunodeficiencies. Number of patients: 78. Only high quality variants are reported.

GeneDx
Classification: Benign. Last evaluated: 2021-06-19. Review status: criteria provided, single submitter. Criteria: GeneDx Variant Classification Process June 2021. Collection method: clinical testing. Allele origin: germline. Affected: yes.

Breakthrough Genomics
Classification: Benign. Review status: criteria provided, single submitter. Criteria: ACMG Guidelines, 2015. Collection method: not provided. Allele origin: germline. Inheritance: Autosomal recessive inheritance. Affected: yes.